The following is an entry in ClinVar:

ClinVar aggregate classification (germline): Uncertain significance (0 of 4 stars; one submission).

Conditions:
Epilepsy. Also called: Seizure disorder. Identifiers: MedGen C0014544, MeSH D004827, MONDO:0005027.

Submission:

Centre de Recherche et de Formation en Génétique Médicale et en Neurosciences, Université des Sciences, des Techniques et des Technologies de Bamako
Classification: Uncertain significance for Epilepsy. Last evaluated: 2026-07-06. Review status: no assertion criteria provided. Collection method: research. Allele origin: maternal. Inheritance: X-linked recessive inheritance. Affected: yes. Observed: 1 variant allele, 1 hemizygote.
Comment: The AFF2 c.124G>C; Early development and intellectual function were reported as normal. It was absent from public population and clinical variant databases at the time of evaluation. The affected residue is evolutionarily conserved, and multiple in silico tools supported a deleterious effect. The variant is located in the N-terminal region of AFF2, near previously reported missense variants associated with seizure phenotypes. Functional studies performed as part of this investigation supported a role for AFF2 disruption in seizure-like activity and suggested impaired function of patient-associated AFF2 variants. However, because segregation evidence is limited and the AFF2 missense epilepsy association remains emerging, this variant was classified as a variant of uncertain significance using ACMG/AMP criteria PM2 and BP1.

NM_002025.4(AFF2):c.124G>C (p.Asp42His)

Gene: AFF2 (ALF transcription elongation factor 2; plus strand). Cytogenetic location: Xq28.
Variant type: single nucleotide variant.
Coding change: c.124G>C on transcript NM_002025.4 (MANE Select); coding-DNA position 124, G replaced by C.
Protein change: p.Asp42His; replaces aspartic acid 42 with histidine.
Molecular consequence: missense variant.
Genome position (GRCh38, 1-based): chrX:148,652,075, G>C. VCF-style: chrX-148652075-G-C. GRCh37 (hg19) VCF-style: chrX-147733596-G-C.
Other names: c.124G>C, p.Asp42His (NM_001169122.2, NM_001169123.2, NM_001169124.2 and 1 more transcripts); short protein forms D42H.
Identifiers: ClinVar variation 4880268 (VCV004880268.1).